The following is an entry in ClinVar:

NM_006767.4(LZTR1):c.2199C>A (p.Asn733Lys)

Gene: LZTR1 (leucine zipper like post translational regulator 1; plus strand). Cytogenetic location: 22q11.21.
Variant type: single nucleotide variant.
Coding change: c.2199C>A on transcript NM_006767.4 (MANE Select); coding-DNA position 2199, C replaced by A.
Protein change: p.Asn733Lys; replaces asparagine 733 with lysine.
Molecular consequence: missense variant.
Genome position (GRCh38, 1-based): chr22:20,996,092, C>A. VCF-style: chr22-20996092-C-A. GRCh37 (hg19) VCF-style: chr22-21350381-C-A.
Other names: short protein forms N733K.
Identifiers: ClinVar variation 3541664 (VCV003541664.1).
Genomic context (GRCh38, chr22:20,996,092, plus strand): 5'-GGTGCCCAGCAGGCAGGCCTTCGAGTCCATGCTGCGCTACATCTACTACGGCGAGGTCAA[C>A]ATGCCGCCCGAGGACTCGCTGCATCCTCACTCCCCAGTGAACTCCCAGGTCCCCACCAAG-3'
Protein context (NP_006758.2, residues 723-743): MLRYIYYGEV[Asn733Lys]MPPEDSLYLF

ClinVar aggregate classification (germline): Uncertain significance (1 of 4 stars; one submission).

Conditions:
Hereditary cancer-predisposing syndrome. Also called: Hereditary Cancer Syndrome; Hereditary neoplastic syndrome; Tumor predisposition; Neoplastic Syndromes, Hereditary. Identifiers: Orphanet 140162, MedGen C0027672, MeSH D009386, MONDO:0015356.
Cardiovascular phenotype. Identifiers: MedGen CN230736.

Submission:

Ambry Genetics
Classification: Uncertain significance for Cardiovascular phenotype; Hereditary cancer-predisposing syndrome. Last evaluated: 2024-10-15. Review status: criteria provided, single submitter. Criteria: Ambry Variant Classification Scheme 2023. Collection method: clinical testing. Allele origin: germline.
Comment: The p.N733K variant (also known as c.2199C>A), located in coding exon 18 of the LZTR1 gene, results from a C to A substitution at nucleotide position 2199. The asparagine at codon 733 is replaced by lysine, an amino acid with similar properties. This amino acid position is conserved. In addition, this alteration is predicted to be tolerated by in silico analysis. Based on the available evidence, the clinical significance of this variant remains unclear.